The following is an entry in ClinVar:

ClinVar aggregate classification (germline): Uncertain significance (1 of 4 stars; one submission).

Allele frequency attached by ClinVar (database versions not stated): TOPMed below 0.00001; gnomAD 0.00001.
gnomAD v4.1: 19 of 1,614,092 alleles (0.0012%); highest among the groups gnomAD compares: South Asian, 0.018%; no homozygotes.

Submission:

Labcorp Genetics (formerly Invitae), Labcorp
Classification: Uncertain significance. Last evaluated: 2022-11-08. Review status: criteria provided, single submitter. Criteria: Invitae Variant Classification Sherloc (09022015). Collection method: clinical testing. Allele origin: germline.
Comment: In summary, the available evidence is currently insufficient to determine the role of this variant in disease. Therefore, it has been classified as a Variant of Uncertain Significance. Algorithms developed to predict the effect of missense changes on protein structure and function output the following: SIFT: "Tolerated"; PolyPhen-2: "Possibly Damaging"; Align-GVGD: "Class C0". The threonine amino acid residue is found in multiple mammalian species, which suggests that this missense change does not adversely affect protein function. ClinVar contains an entry for this variant (Variation ID: 1516547). This variant has not been reported in the literature in individuals affected with PCARE-related conditions. This variant is present in population databases (rs748348235, gnomAD 0.02%). This sequence change replaces arginine, which is basic and polar, with threonine, which is neutral and polar, at codon 248 of the PCARE protein (p.Arg248Thr).

NM_001029883.3(PCARE):c.743G>C (p.Arg248Thr)

Gene: PCARE (photoreceptor cilium actin regulator; minus strand). Cytogenetic location: 2p23.2.
Variant type: single nucleotide variant.
Coding change: c.743G>C on transcript NM_001029883.3 (MANE Select); coding-DNA position 743, G replaced by C.
Protein change: p.Arg248Thr; replaces arginine 248 with threonine.
Molecular consequence: missense variant.
Genome position (GRCh38, 1-based): chr2:29,073,519, C>G on the plus strand (G>C on the coding strand, the complement: PCARE is on the minus strand). VCF-style: chr2-29073519-C-G. GRCh37 (hg19) VCF-style: chr2-29296385-C-G.
Other names: short protein forms R248T.
Identifiers: ClinVar variation 1516547 (VCV001516547.6), dbSNP rs748348235, ClinGen allele CA1592585.